The following is an entry in ClinVar:

NM_001130987.2(DYSF):c.5625C>T (p.Ser1875=)

Gene: DYSF (dysferlin; plus strand). Cytogenetic location: 2p13.2.
Variant type: single nucleotide variant.
Coding change: c.5625C>T on transcript NM_001130987.2 (MANE Select); coding-DNA position 5625, C replaced by T.
Protein change: p.Ser1875=; no amino-acid change (serine 1875 retained).
Molecular consequence: synonymous variant.
Genome position (GRCh38, 1-based): chr2:71,669,190, C>T. VCF-style: chr2-71669190-C-T. GRCh37 (hg19) VCF-style: chr2-71896320-C-T.
Other names: c.5511C>T, p.Ser1837= (NM_001130455.2); c.5466C>T, p.Ser1822= (NM_001130976.2); c.5529C>T, p.Ser1843= (NM_001130977.2); c.5571C>T, p.Ser1857= (NM_001130978.2); c.5601C>T, p.Ser1867= (NM_001130979.2); c.5559C>T, p.Ser1853= (NM_001130980.2); c.5622C>T, p.Ser1874= (NM_001130981.2); c.5604C>T, p.Ser1868= (NM_001130982.2); and 5 more.
Identifiers: ClinVar variation 289761 (VCV000289761.23), dbSNP rs577921112, ClinGen allele CA1707450.

ClinVar aggregate classification (germline): Conflicting classifications of pathogenicity. Review status: criteria provided, conflicting classifications (1 of 4 stars). 7 submissions from 7 submitters: Uncertain significance (2); Benign (1); Likely benign (3). 1 of the submissions does not count toward it. Last evaluated 2026-01-19.

Conditions:
Neuromuscular disease caused by qualitative or quantitative defects of dysferlin. Also called: Qualitative or quantitative defects of dysferlin; Dysferlinopathy. Identifiers: Orphanet 207073, MedGen C2931687, MONDO:0016145.
Autosomal recessive limb-girdle muscular dystrophy type 2B (LGMDR2). Also called: MUSCULAR DYSTROPHY, LIMB-GIRDLE, TYPE 3; MUSCULAR DYSTROPHY, LIMB-GIRDLE, AUTOSOMAL RECESSIVE 2; Limb-Girdle Muscular Dystrophy Type 2B (LGMD2B); Limb-girdle muscular dystrophy, type 2B. Identifiers: Orphanet 268, MedGen C1850889, MONDO:0009676, OMIM 253601.

Allele frequency attached by ClinVar (database versions not stated): gnomAD 0.00001 and 0.00008; TOPMed 0.00004; gnomAD exomes 0.00013 and 0.00018; 1000 Genomes Project 30x 0.00016; 1000 Genomes Project 0.00020; ExAC 0.00045.
gnomAD v4.1: 199 of 1,608,544 alleles (0.012%); highest among the groups gnomAD compares: South Asian, 0.19%; 7 homozygotes.

Submissions (7):

Labcorp Genetics (formerly Invitae), Labcorp
Classification: Benign for Neuromuscular disease caused by qualitative or quantitative defects of dysferlin. Last evaluated: 2026-01-19. Review status: criteria provided, single submitter. Criteria: Invitae Variant Classification Sherloc (09022015). Collection method: clinical testing. Allele origin: germline.

Athena Diagnostics
Classification: Likely benign. Last evaluated: 2024-12-19. Review status: criteria provided, single submitter. Criteria: Athena Diagnostics Criteria. Collection method: clinical testing. Allele origin: unknown.
Comment: Computational tools yielded predictions that this variant is unlikely to have an effect on normal RNA splicing. This nucleotide position exhibits low evolutionary conservation.

Blueprint Genetics
Classification: Likely benign. Last evaluated: 2024-09-12. Review status: criteria provided, single submitter. Criteria: ACMG Guidelines, 2015. Collection method: clinical testing. Allele origin: germline.

Illumina Laboratory Services, Illumina
Classification: Uncertain significance for Qualitative or quantitative defects of dysferlin. Last evaluated: 2018-01-12. Review status: criteria provided, single submitter. Criteria: ICSL Variant Classification Criteria 13 December 2019. Collection method: clinical testing. Allele origin: germline.

GeneDx
Classification: Likely benign. Last evaluated: 2018-01-02. Review status: criteria provided, single submitter. Criteria: GeneDx Variant Classification (06012015). Collection method: clinical testing. Allele origin: germline. Affected: yes.
Comment: This variant is considered likely benign or benign based on one or more of the following criteria: it is a conservative change, it occurs at a poorly conserved position in the protein, it is predicted to be benign by multiple in silico algorithms, and/or has population frequency not consistent with disease.

Eurofins Ntd Llc (ga)
Classification: Uncertain significance. Last evaluated: 2016-08-02. Review status: criteria provided, single submitter. Criteria: EGL Classification Definitions 2015. Collection method: clinical testing. Allele origin: germline. Observed: 1 variant allele, 1 heterozygote.

Natera, Inc.
Classification: Likely benign for Limb-girdle muscular dystrophy type 2B. Last evaluated: 2020-05-02. Review status: no assertion criteria provided. Collection method: clinical testing. Allele origin: germline. Not counted in ClinVar's aggregate classification.